The following is an entry in ClinVar:

NM_001378183.1(PIEZO2):c.5089+32G>A

Gene: PIEZO2 (piezo type mechanosensitive ion channel component 2; minus strand). Cytogenetic location: 18p11.22.
Variant type: single nucleotide variant.
Coding change: c.5089+32G>A on transcript NM_001378183.1 (MANE Select); 32 bases into the intron after coding-DNA position 5089, G replaced by A.
Molecular consequence: intron variant.
Genome position (GRCh38, 1-based): chr18:10,718,168, C>T on the plus strand (G>A on the coding strand, the complement: PIEZO2 is on the minus strand). VCF-style: chr18-10718168-C-T. GRCh37 (hg19) VCF-style: chr18-10718166-C-T.
Other names: c.4915+32G>A (NM_022068.4).
Identifiers: ClinVar variation 1706675 (VCV001706675.2), dbSNP rs555220903, ClinGen allele CA8892364.

ClinVar aggregate classification (germline): Likely benign (1 of 4 stars; one submission).

Allele frequency attached by ClinVar (database versions not stated): gnomAD exomes 0.00030; ExAC 0.00103; 1000 Genomes Project 30x 0.00203; 1000 Genomes Project 0.00220; TOPMed 0.00324; gnomAD 0.00327.
gnomAD v4.1: 910 of 1,516,458 alleles (0.06%); highest among the groups gnomAD compares: African/African-American, 1.2%; 4 homozygotes.

Submission:

GeneDx
Classification: Likely benign. Last evaluated: 2020-05-09. Review status: criteria provided, single submitter. Criteria: GeneDx Variant Classification Process June 2021. Collection method: clinical testing. Allele origin: germline. Affected: yes.
Comment: See Variant Classification Assertion Criteria.